The following is an entry in ClinVar:

NM_024334.3(TMEM43):c.1037T>C (p.Ile346Thr)

Gene: TMEM43 (transmembrane protein 43; plus strand). Cytogenetic location: 3p25.1.
Variant type: single nucleotide variant.
Coding change: c.1037T>C on transcript NM_024334.3 (MANE Select); coding-DNA position 1037, T replaced by C.
Protein change: p.Ile346Thr; replaces isoleucine 346 with threonine.
Molecular consequence: missense variant.
Genome position (GRCh38, 1-based): chr3:14,141,629, T>C. VCF-style: chr3-14141629-T-C. GRCh37 (hg19) VCF-style: chr3-14183129-T-C.
Other names: short protein forms I346T.
Identifiers: ClinVar variation 998520 (VCV000998520.14), dbSNP rs1286798674, ClinGen allele CA351536417.

ClinVar aggregate classification (germline): Uncertain significance. Review status: criteria provided, multiple submitters, no conflicts (2 of 4 stars). 4 submissions from 4 submitters: Uncertain significance (4). Last evaluated 2026-01-25.

Conditions:
Cardiovascular phenotype. Identifiers: MedGen CN230736.
Cardiomyopathy (CMYO). Also called: Cardiomyopathies. Identifiers: Orphanet 167848, MedGen C0878544, MONDO:0004994, HP:0001638. Inheritance: Various modes of inheritance.
Arrhythmogenic right ventricular dysplasia 5. Also called: ARRHYTHMOGENIC RIGHT VENTRICULAR DYSPLASIA, FAMILIAL, 5; Arrhythmogenic Right Ventricular Dysplasia/Cardiomyopathy 5. Identifiers: MedGen C1858379, MONDO:0011459, OMIM 604400.

Allele frequency attached by ClinVar (database versions not stated): TOPMed below 0.00001; gnomAD 0.00001; gnomAD exomes 0.00001.
gnomAD v4.1: 21 of 1,614,078 alleles (0.0013%); highest among the groups gnomAD compares: Middle Eastern, 0.016%; no homozygotes.

Submissions (4):

Labcorp Genetics (formerly Invitae), Labcorp
Classification: Uncertain significance for Arrhythmogenic right ventricular dysplasia 5. Last evaluated: 2026-01-25. Review status: criteria provided, single submitter. Criteria: Invitae Variant Classification Sherloc (09022015). Collection method: clinical testing. Allele origin: germline.
Comment: This sequence change replaces isoleucine, which is neutral and non-polar, with threonine, which is neutral and polar, at codon 346 of the TMEM43 protein (p.Ile346Thr). This variant is not present in population databases (gnomAD no frequency). This variant has not been reported in the literature in individuals affected with TMEM43-related conditions. ClinVar contains an entry for this variant (Variation ID: 998520). Invitae Evidence Modeling of protein sequence and biophysical properties (such as structural, functional, and spatial information, amino acid conservation, physicochemical variation, residue mobility, and thermodynamic stability) indicates that this missense variant is not expected to disrupt TMEM43 protein function with a negative predictive value of 80%. In summary, the available evidence is currently insufficient to determine the role of this variant in disease. Therefore, it has been classified as a Variant of Uncertain Significance.

All of Us Research Program, National Institutes of Health
Classification: Uncertain significance for Arrhythmogenic right ventricular dysplasia 5. Last evaluated: 2024-07-20. Review status: criteria provided, single submitter. Criteria: ACMG Guidelines, 2015. Collection method: clinical testing. Allele origin: germline. Inheritance: Autosomal dominant inheritance. Observed: 5 variant alleles, 5 heterozygotes.
Comment: This missense variant replaces isoleucine with threonine at codon 346 of the TMEM43 protein. Computational prediction suggests that this variant may not impact protein structure and function (internally defined REVEL score threshold <= 0.5, PMID: 27666373). To our knowledge, functional studies have not been reported for this variant. This variant has not been reported in individuals affected with cardiovascular disorders in the literature. This variant has not been identified in the general population by the Genome Aggregation Database (gnomAD). The available evidence is insufficient to determine the role of this variant in disease conclusively. Therefore, this variant is classified as a Variant of Uncertain Significance.

This study involves interpretation of variants in research participants for the purpose of population health screening. Participant phenotype was not available at the time of variant classification. Additional details can be found in publication PMID: 35346344, PMCID: PMC8962531

Ambry Genetics
Classification: Uncertain significance for Cardiovascular phenotype. Last evaluated: 2024-05-26. Review status: criteria provided, single submitter. Criteria: Ambry Variant Classification Scheme 2023. Collection method: clinical testing. Allele origin: germline.
Comment: The p.I346T variant (also known as c.1037T>C), located in coding exon 12 of the TMEM43 gene, results from a T to C substitution at nucleotide position 1037. The isoleucine at codon 346 is replaced by threonine, an amino acid with similar properties. This amino acid position is conserved. In addition, this alteration is predicted to be tolerated by in silico analysis. Based on the available evidence, the clinical significance of this variant remains unclear.

Color Diagnostics, LLC DBA Color Health
Classification: Uncertain significance for Cardiomyopathy. Last evaluated: 2024-03-06. Review status: criteria provided, single submitter. Criteria: ACMG Guidelines, 2015. Collection method: clinical testing. Allele origin: germline.
Comment: This missense variant replaces isoleucine with threonine at codon 346 of the TMEM43 protein. Computational prediction suggests that this variant may not impact protein structure and function (internally defined REVEL score threshold <= 0.5, PMID: 27666373). To our knowledge, functional studies have not been reported for this variant. This variant has not been reported in individuals affected with cardiovascular disorders in the literature. This variant has not been identified in the general population by the Genome Aggregation Database (gnomAD). The available evidence is insufficient to determine the role of this variant in disease conclusively. Therefore, this variant is classified as a Variant of Uncertain Significance.